The following is an entry in ClinVar:

ClinVar aggregate classification (germline): Uncertain significance (1 of 4 stars; one submission).

Allele frequency attached by ClinVar (database versions not stated): gnomAD exomes 0.00001; ExAC 0.00002; gnomAD 0.00002; TOPMed 0.00002; ESP Exome Variant Server 0.00008.

Submission:

Ambry Genetics
Classification: Uncertain significance. Last evaluated: 2024-10-12. Review status: criteria provided, single submitter. Criteria: Ambry Variant Classification Scheme 2023. Collection method: clinical testing. Allele origin: germline.
Comment: The p.S218L variant (also known as c.653C>T), located in coding exon 7 of the RAD54L gene, results from a C to T substitution at nucleotide position 653. The serine at codon 218 is replaced by leucine, an amino acid with dissimilar properties. This amino acid position is conserved. In addition, this alteration is predicted to be deleterious by in silico analysis. Since supporting evidence is limited at this time, the clinical significance of this alteration remains unclear.

NM_003579.4(RAD54L):c.653C>T (p.Ser218Leu)

Gene: RAD54L (RAD54 like; plus strand). Cytogenetic location: 1p34.1.
Variant type: single nucleotide variant.
Coding change: c.653C>T on transcript NM_003579.4 (MANE Select); coding-DNA position 653, C replaced by T.
Protein change: p.Ser218Leu; replaces serine 218 with leucine.
Molecular consequence: missense variant.
Genome position (GRCh38, 1-based): chr1:46,260,902, C>T. VCF-style: chr1-46260902-C-T. GRCh37 (hg19) VCF-style: chr1-46726574-C-T.
Other names: c.653C>T, p.Ser218Leu (NM_001142548.2); c.113C>T, p.Ser38Leu (NM_001370766.1); short protein forms S218L, S38L.
Identifiers: ClinVar variation 1754101 (VCV001754101.3), dbSNP rs145410495, ClinGen allele CA834323.